The following is an entry in ClinVar:

ClinVar aggregate classification (germline): Uncertain significance. Review status: criteria provided, multiple submitters, no conflicts (2 of 4 stars). 3 submissions from 3 submitters: Uncertain significance (3). Last evaluated 2026-07-10.

Conditions:
Developmental and epileptic encephalopathy, 9 (DEE9). Also called: JUBERG-HELLMAN SYNDROME; Early infantile epileptic encephalopathy 9; EPILEPSY, FEMALE-RESTRICTED, WITH MENTAL RETARDATION; PCDH19-Related X-Linked Female-Limited Epilepsy with Mental Retardation. Identifiers: Orphanet 101039, Orphanet 2076, MedGen C1848137, MONDO:0010246, OMIM 300088. Disease mechanism: loss of function.
Inborn genetic diseases. Identifiers: MedGen C0950123, MeSH D030342.

Allele frequency attached by ClinVar (database versions not stated): gnomAD exomes 0.00001.
gnomAD v4.1: 1 of 1,211,347 alleles (0.000083%); no homozygotes.

Submissions (3):

Ambry Genetics
Classification: Uncertain significance for Inborn genetic diseases. Last evaluated: 2026-07-10. Review status: criteria provided, single submitter. Criteria: Ambry Variant Classification Scheme 2023. Collection method: clinical testing. Allele origin: germline.

Labcorp Genetics (formerly Invitae), Labcorp
Classification: Uncertain significance for Developmental and epileptic encephalopathy, 9. Last evaluated: 2021-04-23. Review status: criteria provided, single submitter. Criteria: Invitae Variant Classification Sherloc (09022015). Collection method: clinical testing. Allele origin: germline.
Comment: In summary, the available evidence is currently insufficient to determine the role of this variant in disease. Therefore, it has been classified as a Variant of Uncertain Significance. Algorithms developed to predict the effect of missense changes on protein structure and function (SIFT, PolyPhen-2, Align-GVGD) all suggest that this variant is likely to be tolerated, but these predictions have not been confirmed by published functional studies and their clinical significance is uncertain. This variant has not been reported in the literature in individuals with PCDH19-related conditions. This variant is not present in population databases (ExAC no frequency). This sequence change replaces histidine with arginine at codon 850 of the PCDH19 protein (p.His850Arg). The histidine residue is moderately conserved and there is a small physicochemical difference between histidine and arginine.

Blueprint Genetics
Classification: Uncertain significance. Last evaluated: 2018-09-06. Review status: criteria provided, single submitter. Criteria: ACMG Guidelines, 2015. Collection method: clinical testing. Allele origin: germline.

NM_001184880.2(PCDH19):c.2549A>G (p.His850Arg)

Genes: PCDH19 (protocadherin 19; minus strand), LOC125467768 (CDK7 strongly-dependent group 2 enhancer GRCh37_chrX:99657381-99658580; plus strand). Cytogenetic location: Xq22.1.
Variant type: single nucleotide variant.
Coding change: c.2549A>G on transcript NM_001184880.2 (MANE Select); coding-DNA position 2549, A replaced by G.
Protein change: p.His850Arg; replaces histidine 850 with arginine.
Molecular consequence: missense variant.
Genome position (GRCh38, 1-based): chrX:100,402,591, T>C on the plus strand (A>G on the coding strand, the complement: PCDH19 is on the minus strand). VCF-style: chrX-100402591-T-C. GRCh37 (hg19) VCF-style: chrX-99657589-T-C.
Other names: c.2408A>G, p.His803Arg (NM_001105243.2, NM_020766.3); short protein forms H803R, H850R.
Identifiers: ClinVar variation 949268 (VCV000949268.13), dbSNP rs1329841061, ClinGen allele CA414005467.
Genomic context (GRCh38, chrX:100,402,591, plus strand): 5'-AGAGGCACACCGTTGATAATCAGGTCAGGCTGCTGGGGCCCCTGGCTGTTGAAAGAGTGA[T>C]GGTAGATGTGGTTAGCACTGGTGTTGCGGGTATTCTGGTTCTCCACATTCAGGAAAGTGC-3'
Protein context (NP_001171809.1, residues 840-860): TRNTSANHIY[His850Arg]HSFNSQGPQQ